The following is an entry in ClinVar:

NM_002397.5(MEF2C):c.1294_1295dup (p.Asp432fs)

Genes: MEF2C (myocyte enhancer factor 2C; minus strand), MEF2C-AS2 (MEF2C antisense RNA 2; plus strand). Cytogenetic location: 5q14.3.
Variant type: Duplication.
Coding change: c.1294_1295dup on transcript NM_002397.5 (MANE Select); coding-DNA positions 1294 to 1295, 2 bases duplicated (GA; older notation c.1294_1295dupGA).
Protein change: p.Asp432fs; shifts the reading frame from aspartic acid 432.
Molecular consequence: frameshift variant. On other transcripts: 3 prime UTR variant (9), non-coding transcript variant (1).
Genome position (GRCh38, 1-based): chr5:88,722,731-88,722,732, TC duplicated on the plus strand (GA on the coding strand, the reverse complement: MEF2C is on the minus strand). VCF-style (leftmost placement, unchanged base first): chr5-88722730-G-GTC. GRCh37 (hg19) VCF-style: chr5-88018547-G-GTC.
Other names: c.1174_1175dup, p.Asp392fs (NM_001364341.2, NM_001364342.2, NM_001364339.2 and 1 more transcripts); c.1168_1169dup, p.Asp390fs (NM_001364343.2); c.1150_1151dup, p.Asp384fs (NM_001364344.2); c.*29_*30dup (NM_001364345.2, NM_001364346.2, NM_001364347.2 and 6 more transcripts); c.916_917dup, p.Asp306fs (NM_001364353.2); c.820_821dup, p.Asp274fs (NM_001364356.2); c.748_749dup, p.Asp250fs (NM_001364357.2); c.1264_1265dup, p.Asp422fs (NM_001131005.2); and 7 more; short protein forms D250fs, D274fs, D306fs, D352fs, D376fs, D384fs, D390fs, D392fs.
Identifiers: ClinVar variation 4884322 (VCV004884322.1).

ClinVar aggregate classification (germline): Uncertain significance (1 of 4 stars; one submission).

Conditions:
Neurodevelopmental disorder with hypotonia, stereotypic hand movements, and impaired language. Also called: Intellectual disability, autosomal dominant 20. Identifiers: Orphanet 228384, Orphanet 664410, MedGen C3150700, MONDO:0013266, OMIM 613443.

Submission:

Institute of Human Genetics, Cologne University
Classification: Uncertain significance for Neurodevelopmental disorder with hypotonia, stereotypic hand movements, and impaired language. Last evaluated: 2026-07-01. Review status: criteria provided, single submitter. Criteria: ACMG Guidelines, 2015. Collection method: clinical testing. Allele origin: maternal. Observed: 2 variant alleles.